The following is an entry in ClinVar:

ClinVar aggregate classification (germline): Pathogenic (1 of 4 stars; one submission).

Submission:

Labcorp Genetics (formerly Invitae), Labcorp
Classification: Pathogenic. Last evaluated: 2025-04-12. Review status: criteria provided, single submitter. Criteria: Invitae Variant Classification Sherloc (09022015). Collection method: clinical testing. Allele origin: germline.
Comment: This sequence change creates a premature translational stop signal (p.Phe428Leufs*72) in the ZBTB18 gene. While this is not anticipated to result in nonsense mediated decay, it is expected to disrupt the last 104 amino acid(s) of the ZBTB18 protein. This variant is not present in population databases (gnomAD no frequency). This variant has not been reported in the literature in individuals affected with ZBTB18-related conditions. This variant disrupts a region of the ZBTB18 protein in which other variant(s) (p.His469Arg) have been determined to be pathogenic (internal data). This suggests that this is a clinically significant region of the protein, and that variants that disrupt it are likely to be disease-causing. For these reasons, this variant has been classified as Pathogenic.

NM_205768.3(ZBTB18):c.1282_1283del (p.Phe428fs)

Gene: ZBTB18 (zinc finger and BTB domain containing 18; plus strand). Cytogenetic location: 1q44.
Variant type: Deletion.
Coding change: c.1282_1283del on transcript NM_205768.3 (MANE Select); coding-DNA positions 1282 to 1283, 2 bases deleted (TT; older notation c.1282_1283delTT).
Protein change: p.Phe428fs; shifts the reading frame from phenylalanine 428.
Molecular consequence: frameshift variant. On other transcripts: 3 prime UTR variant (1).
Genome position (GRCh38, 1-based): chr1:244,055,056-244,055,057, TT deleted; deleting any 2 consecutive bases within chr1:244,055,055-244,055,057 gives the same sequence; the c. name uses the placement nearest the transcript's 3' end. VCF-style (leftmost placement, unchanged base first): chr1-244055054-CTT-C. GRCh37 (hg19) VCF-style: chr1-244218356-CTT-C.
Other names: c.1255_1256del, p.Phe419fs (NM_001278196.2, NM_006352.5); c.*459_*460del (NM_001421566.1); short protein forms F419fs, F428fs.
Identifiers: ClinVar variation 4712535 (VCV004712535.1).
Genomic context (GRCh38, chr1:244,055,054, plus strand): 5'-GCATCCGCAGCAAGCCCGCCGCCGATGTCAACGTGCCCACGTGCTCGCTGTGTGGGAAGA[CTT>C]TCTCTTGCATGTACACCCTCAAGCGCCACGAGAGGACTCACTCGGGGGAGAAGCCCTACA-3'